The following is an entry in ClinVar:

ClinVar aggregate classification (germline): Uncertain significance (1 of 4 stars; one submission).

Conditions:
Nephronophthisis. Also called: Juvenile Nephronophthisis. Identifiers: Orphanet 655, MedGen C0687120, MONDO:0019005, HP:0000090.

Submission:

Labcorp Genetics (formerly Invitae), Labcorp
Classification: Uncertain significance for Nephronophthisis. Last evaluated: 2022-08-11. Review status: criteria provided, single submitter. Criteria: Invitae Variant Classification Sherloc (09022015). Collection method: clinical testing. Allele origin: germline.
Comment: This sequence change falls in intron 12 of the NPHP4 gene. It does not directly change the encoded amino acid sequence of the NPHP4 protein. This variant is not present in population databases (gnomAD no frequency). This variant has not been reported in the literature in individuals affected with NPHP4-related conditions. Algorithms developed to predict the effect of sequence changes on RNA splicing suggest that this variant may disrupt the consensus splice site. In summary, the available evidence is currently insufficient to determine the role of this variant in disease. Therefore, it has been classified as a Variant of Uncertain Significance.

NM_015102.5(NPHP4):c.1504-13T>G

Gene: NPHP4 (nephrocystin 4; minus strand). Cytogenetic location: 1p36.31.
Variant type: single nucleotide variant.
Coding change: c.1504-13T>G on transcript NM_015102.5 (MANE Select); 13 bases into the intron before coding-DNA position 1504, T replaced by G.
Molecular consequence: intron variant.
Genome position (GRCh38, 1-based): chr1:5,907,235, A>C on the plus strand (T>G on the coding strand, the complement: NPHP4 is on the minus strand). VCF-style: chr1-5907235-A-C. GRCh37 (hg19) VCF-style: chr1-5967295-A-C.
Other names: c.76-1452T>G (NM_001291594.2); c.76-1455T>G (NM_001291593.2).
Identifiers: ClinVar variation 2023555 (VCV002023555.4), dbSNP rs1377755717, ClinGen allele CA2580062517.
Genomic context (GRCh38, chr1:5,907,235, plus strand): 5'-GTGCTGAGTCGGGGACCGCGGGGAGGCCGCCAGCTGGGAAATTGACAACTGGAAGGAAAG[A>C]GAGCACAGGTGAGGGGCTCAGAAGCTTGCCAGTCCGTCCACAAAGCTCCCAACATGCACT-3'